The following is an entry in ClinVar:

NM_004655.4(AXIN2):c.690A>G (p.Glu230=)

Gene: AXIN2 (axin 2; minus strand). Cytogenetic location: 17q24.1.
Variant type: single nucleotide variant.
Coding change: c.690A>G on transcript NM_004655.4 (MANE Select); coding-DNA position 690, A replaced by G.
Protein change: p.Glu230=; no amino-acid change (glutamic acid 230 retained).
Molecular consequence: synonymous variant.
Genome position (GRCh38, 1-based): chr17:65,557,931, T>C on the plus strand (A>G on the coding strand, the complement: AXIN2 is on the minus strand). VCF-style: chr17-65557931-T-C. GRCh37 (hg19) VCF-style: chr17-63554049-T-C.
Other names: c.690A>G, p.Glu230= (NM_001363813.1).
Identifiers: ClinVar variation 3254327 (VCV003254327.1), dbSNP rs2044295061.
Genomic context (GRCh38, chr17:65,557,931, plus strand): 5'-CAAGCCAACCACGGTTGGCGAAAGTTTGCACTTGAAGTCGGCACAAGTCCACTCCTCTTC[T>C]TCATTCAAGGTGGGGAGATAGCCACACACGACCTTTAGGCTCCCGAGTCCCCCATTACTC-3'
Protein context (NP_004646.3, residues 220-240): VVCGYLPTLN[Glu230=]EEEWTCADFK

ClinVar aggregate classification (germline): Benign (1 of 4 stars; one submission).

Conditions:
Oligodontia-cancer predisposition syndrome. Also called: TOOTH AGENESIS-COLORECTAL CANCER SYNDROME. Identifiers: Orphanet 300576, MedGen C1837750, MONDO:0012075, OMIM 608615. Disease mechanism: loss of function.

Allele frequency attached by ClinVar (database versions not stated): gnomAD exomes below 0.00001.
gnomAD v4.1: 1 of 1,614,176 alleles (0.000062%); highest among the groups gnomAD compares: South Asian, 0.0011%; no homozygotes.

Submission:

Myriad Genetics, Inc.
Classification: Benign for Oligodontia-cancer predisposition syndrome. Last evaluated: 2024-06-27. Review status: criteria provided, single submitter. Criteria: Myriad Autosomal Dominant, Autosomal Recessive and X-Linked Classification Criteria (2023). Collection method: clinical testing. Allele origin: unknown.
Comment: This variant is considered benign. This variant is a silent/synonymous amino acid change and it is not expected to impact splicing.